The following is an entry in ClinVar:

NM_012431.3(SEMA3E):c.847A>G (p.Lys283Glu)

Gene: SEMA3E (semaphorin 3E; minus strand). Cytogenetic location: 7q21.11.
Variant type: single nucleotide variant.
Coding change: c.847A>G on transcript NM_012431.3 (MANE Select); coding-DNA position 847, A replaced by G.
Protein change: p.Lys283Glu; replaces lysine 283 with glutamic acid.
Molecular consequence: missense variant.
Genome position (GRCh38, 1-based): chr7:83,406,026, T>C on the plus strand (A>G on the coding strand, the complement: SEMA3E is on the minus strand). VCF-style: chr7-83406026-T-C. GRCh37 (hg19) VCF-style: chr7-83035342-T-C.
Other names: c.667A>G, p.Lys223Glu (NM_001178129.2); short protein forms K223E, K283E.
Identifiers: ClinVar variation 3677492 (VCV003677492.2).
Genomic context (GRCh38, chr7:83,406,026, plus strand): 5'-CAATTCCATTCATTCCTGGTACTGAGCAAACGAGTCTCGCTTTTAGGAAAGTGCTCCACT[T>C]ATTCACCAGTATTCTCTGCCCTCCTACATCATTCTGTGAAAACCAAAAAGGAGGTAAATA-3'
Protein context (NP_036563.1, residues 273-293): DVGGQRILVN[Lys283Glu]WSTFLKARLV

ClinVar aggregate classification (germline): Uncertain significance (1 of 4 stars; one submission).

Conditions:
CHARGE syndrome (CHARGE). Also called: Hittner Hirsch Kreh syndrome; CHARGE ASSOCIATION--COLOBOMA, HEART ANOMALY, CHOANAL ATRESIA, RETARDATION, GENITAL AND EAR ANOMALIES; Coloboma, heart anomaly, choanal atresia, retardation, genital and ear anomalies; CHARGE association; Hall-Hittner syndrome. Identifiers: Orphanet 138, MedGen C0265354, MONDO:0008965.

Submission:

Labcorp Genetics (formerly Invitae), Labcorp
Classification: Uncertain significance for CHARGE syndrome. Last evaluated: 2024-05-19. Review status: criteria provided, single submitter. Criteria: Invitae Variant Classification Sherloc (09022015). Collection method: clinical testing. Allele origin: germline.
Comment: This sequence change replaces lysine, which is basic and polar, with glutamic acid, which is acidic and polar, at codon 283 of the SEMA3E protein (p.Lys283Glu). This variant is not present in population databases (gnomAD no frequency). This variant has not been reported in the literature in individuals affected with SEMA3E-related conditions. Advanced modeling of protein sequence and biophysical properties (such as structural, functional, and spatial information, amino acid conservation, physicochemical variation, residue mobility, and thermodynamic stability) performed at Invitae indicates that this missense variant is expected to disrupt SEMA3E protein function with a positive predictive value of 80%. In summary, the available evidence is currently insufficient to determine the role of this variant in disease. Therefore, it has been classified as a Variant of Uncertain Significance.